The following is an entry in ClinVar:

NM_000256.3(MYBPC3):c.3443G>C (p.Ser1148Thr)

Gene: MYBPC3 (myosin binding protein C3; minus strand). Cytogenetic location: 11p11.2.
Variant type: single nucleotide variant.
Coding change: c.3443G>C on transcript NM_000256.3 (MANE Select); coding-DNA position 3443, G replaced by C.
Protein change: p.Ser1148Thr; replaces serine 1148 with threonine.
Molecular consequence: missense variant.
Genome position (GRCh38, 1-based): chr11:47,332,861, C>G on the plus strand (G>C on the coding strand, the complement: MYBPC3 is on the minus strand). VCF-style: chr11-47332861-C-G. GRCh37 (hg19) VCF-style: chr11-47354412-C-G.
Other names: short protein forms S1148T.
Identifiers: ClinVar variation 3071636 (VCV003071636.1), dbSNP rs2495738615, ClinGen allele CA380313259.
Genomic context (GRCh38, chr11:47,332,861, plus strand): 5'-GAGGGTACAGCACCTGGTCTGGGGATAAAGACGGGCTCCTTGGTGGTGGCCGCTCTGTCA[C>G]TAAAGCCAACCATATTCTGGCTGAAGACGCGGAAGTAGTAGCCATTGCCAATGATGAGCT-3'
Protein context (NP_000247.2, residues 1138-1158): RVFSQNMVGF[Ser1148Thr]DRAATTKEPV

ClinVar aggregate classification (germline): Uncertain significance (1 of 4 stars; one submission).

Conditions:
Hypertrophic cardiomyopathy. Also called: HYPERTROPHIC MYOCARDIOPATHY. Identifiers: Orphanet 217569, MedGen C0007194, MeSH D002312, MONDO:0005045, HP:0001639.

Submission:

All of Us Research Program, National Institutes of Health
Classification: Uncertain significance for Hypertrophic cardiomyopathy. Last evaluated: 2023-06-08. Review status: criteria provided, single submitter. Criteria: ACMG Guidelines, 2015. Collection method: clinical testing. Allele origin: germline. Inheritance: Autosomal dominant inheritance. Observed: 1 variant allele, 1 heterozygote.
Comment: This missense variant replaces serine with threonine at codon 1148 of the MYBPC3 protein. Computational prediction is inconclusive regarding the impact of this variant on protein structure and function (internally defined REVEL score threshold 0.5 < inconclusive < 0.7, PMID: 27666373). To our knowledge, functional studies have not been reported for this variant. This variant has not been reported in individuals affected with MYBPC3-related disorders in the literature. This variant has not been identified in the general population by the Genome Aggregation Database (gnomAD). The available evidence is insufficient to determine the role of this variant in disease conclusively. Therefore, this variant is classified as a Variant of Uncertain Significance.

This study involves interpretation of variants in research participants for the purpose of population health screening. Participant phenotype was not available at the time of variant classification. Additional details can be found in publication PMID: 35346344, PMCID: PMC8962531